The following is an entry in ClinVar:

NM_003331.5(TYK2):c.2048-315T>C

Gene: TYK2 (tyrosine kinase 2; minus strand). Cytogenetic location: 19p13.2.
Variant type: single nucleotide variant.
Coding change: c.2048-315T>C on transcript NM_003331.5 (MANE Select); 315 bases into the intron before coding-DNA position 2048, T replaced by C.
Molecular consequence: intron variant.
Genome position (GRCh38, 1-based): chr19:10,359,617, A>G on the plus strand (T>C on the coding strand, the complement: TYK2 is on the minus strand). VCF-style: chr19-10359617-A-G. GRCh37 (hg19) VCF-style: chr19-10470293-A-G.
Identifiers: ClinVar variation 669676 (VCV000669676.1), dbSNP rs12720293, ClinGen allele CA14683271.

ClinVar aggregate classification (germline): Benign (1 of 4 stars; one submission).

Allele frequency attached by ClinVar (database versions not stated): gnomAD 0.12094 and 0.12186; TOPMed 0.12423; 1000 Genomes Project 30x 0.13351; 1000 Genomes Project 0.13359.
gnomAD v4.1: 18,090 of 150,596 alleles (12%); highest among the groups gnomAD compares: African/African-American, 21%; 1,385 homozygotes.

Submission:

GeneDx
Classification: Benign. Last evaluated: 2018-06-16. Review status: criteria provided, single submitter. Criteria: GeneDx Variant Classification (06012015). Collection method: clinical testing. Allele origin: germline. Affected: yes.
Comment: This variant is considered likely benign or benign based on one or more of the following criteria: it is a conservative change, it occurs at a poorly conserved position in the protein, it is predicted to be benign by multiple in silico algorithms, and/or has population frequency not consistent with disease.